The following is an entry in ClinVar:

NM_014324.6(AMACR):c.423G>C (p.Glu141Asp)

Genes: AMACR (alpha-methylacyl-CoA racemase; minus strand), C1QTNF3-AMACR (C1QTNF3-AMACR readthrough (NMD candidate); minus strand). Cytogenetic location: 5p13.2.
Variant type: single nucleotide variant.
Coding change: c.423G>C on transcript NM_014324.6 (MANE Select); coding-DNA position 423, G replaced by C.
Protein change: p.Glu141Asp; replaces glutamic acid 141 with aspartic acid.
Molecular consequence: missense variant. On other transcripts: intron variant (1).
Genome position (GRCh38, 1-based): chr5:34,004,703, C>G on the plus strand (G>C on the coding strand, the complement: AMACR is on the minus strand). VCF-style: chr5-34004703-C-G. GRCh37 (hg19) VCF-style: chr5-34004808-C-G.
Other names: c.423G>C, p.Glu141Asp (NM_001167595.2); c.391+1053G>C (NM_203382.3); short protein forms E141D.
Identifiers: ClinVar variation 1446220 (VCV001446220.5), dbSNP rs748131178, ClinGen allele CA3226205.

ClinVar aggregate classification (germline): Uncertain significance (1 of 4 stars; one submission).

Conditions:
Alpha-methylacyl-CoA racemase deficiency (AMACRD). Also called: AMACR deficiency. Identifiers: Orphanet 79095, MedGen C3280428, MONDO:0013681, OMIM 614307. Disease mechanism: loss of function.

Allele frequency attached by ClinVar (database versions not stated): ExAC 0.00001; gnomAD 0.00001; gnomAD exomes 0.00002; TOPMed 0.00002.
gnomAD v4.1: 14 of 1,614,100 alleles (0.00087%); highest among the groups gnomAD compares: Non-Finnish European, 0.0012%; no homozygotes.

Submission:

Labcorp Genetics (formerly Invitae), Labcorp
Classification: Uncertain significance for Alpha-methylacyl-CoA racemase deficiency. Last evaluated: 2021-09-24. Review status: criteria provided, single submitter. Criteria: Invitae Variant Classification Sherloc (09022015). Collection method: clinical testing. Allele origin: germline.
Comment: This sequence change replaces glutamic acid with aspartic acid at codon 141 of the AMACR protein (p.Glu141Asp). The glutamic acid residue is moderately conserved and there is a small physicochemical difference between glutamic acid and aspartic acid. This variant is present in population databases (rs748131178, ExAC 0.001%). This variant has not been reported in the literature in individuals with AMACR-related conditions. Algorithms developed to predict the effect of missense changes on protein structure and function output the following: SIFT: "Tolerated"; PolyPhen-2: "Benign"; Align-GVGD: "Class C0". The aspartic acid amino acid residue is found in multiple mammalian species, suggesting that this missense change does not adversely affect protein function. These predictions have not been confirmed by published functional studies and their clinical significance is uncertain. In summary, the available evidence is currently insufficient to determine the role of this variant in disease. Therefore, it has been classified as a Variant of Uncertain Significance.